The following is an entry in ClinVar:

ClinVar aggregate classification (germline): Conflicting classifications of pathogenicity. Review status: criteria provided, conflicting classifications (1 of 4 stars). 2 submissions from 2 submitters: Uncertain significance (1); Likely benign (1). Last evaluated 2025-12-21.

Conditions:
TRIP12-related disorder. Also called: TRIP12-related condition.

gnomAD v4.1: 1 of 1,591,486 alleles (0.000063%); highest among the groups gnomAD compares: Admixed American, 0.0018%; no homozygotes.

Submissions (2):

PreventionGenetics, part of Exact Sciences
Classification: Likely benign for TRIP12-related condition. Last evaluated: 2025-12-21. Review status: criteria provided, single submitter. Criteria: ACMG Guidelines, 2015. Collection method: clinical testing. Allele origin: germline.
Comment: This variant is classified as likely benign based on ACMG/AMP sequence variant interpretation guidelines (Richards et al. 2015 PMID: 25741868, with internal and published modifications).

Women's Health and Genetics/Laboratory Corporation of America, LabCorp
Classification: Uncertain significance. Last evaluated: 2024-12-11. Review status: criteria provided, single submitter. Criteria: LabCorp Variant Classification Summary - May 2015. Collection method: clinical testing. Allele origin: germline.
Comment: Variant summary: TRIP12 c.224+8T>A alters a conserved nucleotide located close to a canonical splice site and therefore could affect mRNA splicing, leading to a significantly altered protein sequence. Consensus agreement among computation tools predict no significant impact on normal splicing. However, these predictions have yet to be confirmed by functional studies. The frequency data for this variant in gnomAD is considered unreliable, as metrics indicate poor data quality at this position. To our knowledge, no occurrence of c.224+8T>A in individuals affected with Clark-Baraitser Syndrome and no experimental evidence demonstrating its impact on protein function have been reported. No submitters have cited clinical-significance assessments for this variant to ClinVar. Based on the evidence outlined above, the variant was classified as uncertain significance.

NM_001348323.3(TRIP12):c.224+8T>A

Gene: TRIP12 (thyroid hormone receptor interactor 12; minus strand). Cytogenetic location: 2q36.3.
Variant type: single nucleotide variant.
Coding change: c.224+8T>A on transcript NM_001348323.3 (MANE Select); 8 bases into the intron after coding-DNA position 224, T replaced by A.
Molecular consequence: intron variant.
Genome position (GRCh38, 1-based): chr2:229,860,398, A>T on the plus strand (T>A on the coding strand, the complement: TRIP12 is on the minus strand). VCF-style: chr2-229860398-A-T. GRCh37 (hg19) VCF-style: chr2-230725114-A-T.
Other names: c.98+19584T>A (NM_001284216.2); c.99-824T>A (NM_004238.3, NM_001348331.1, NM_001348317.1 and 3 more transcripts); c.224+8T>A (NM_001348332.1, NM_001284214.2, NM_001348319.1 and 16 more transcripts).
Identifiers: ClinVar variation 3768125 (VCV003768125.2).